The following is an entry in ClinVar:

NM_001040716.2(PC):c.1513+10G>A

Gene: PC (pyruvate carboxylase; minus strand). Cytogenetic location: 11q13.2.
Variant type: single nucleotide variant.
Coding change: c.1513+10G>A on transcript NM_001040716.2 (MANE Select); 10 bases into the intron after coding-DNA position 1513, G replaced by A.
Molecular consequence: intron variant.
Genome position (GRCh38, 1-based): chr11:66,853,229, C>T on the plus strand (G>A on the coding strand, the complement: PC is on the minus strand). VCF-style: chr11-66853229-C-T. GRCh37 (hg19) VCF-style: chr11-66620700-C-T.
Other names: c.1513+10G>A (NM_001040716.1, NM_000920.4, NM_022172.3).
Identifiers: ClinVar variation 748355 (VCV000748355.14), dbSNP rs200660481, ClinGen allele CA6131384.
Genomic context (GRCh38, chr11:66,853,229, plus strand): 5'-AGGAGGTAGGAGCAAGAGATTGGAGAGCGGAGGGGAGGGGAGGGCAGGGCAGGGCAGTCT[C>T]GGGCCAGACCGAGGTAGTGCAACAGCTTTTGGGCCCGGTTCTGTGCAGGCCGCAGCTGGA-3'

ClinVar aggregate classification (germline): Likely benign. Review status: criteria provided, multiple submitters, no conflicts (2 of 4 stars). 3 submissions from 3 submitters: Likely benign (2). 1 of the submissions does not count toward it. Last evaluated 2025-10-20.

Conditions:
PC-related disorder. Also called: PC-related condition.
Pyruvate carboxylase deficiency. Also called: Pyruvate Carboxylase Deficiency Disease; LEIGH NECROTIZING ENCEPHALOPATHY DUE TO PYRUVATE CARBOXYLASE DEFICIENCY; LEIGH SYNDROME DUE TO PYRUVATE CARBOXYLASE DEFICIENCY; PC DEFICIENCY; ATAXIA WITH LACTIC ACIDOSIS II. Identifiers: Orphanet 3008, MedGen C0034341, MONDO:0009949, OMIM 266150.

Allele frequency attached by ClinVar (database versions not stated): gnomAD 0.00007 and 0.00008; ESP Exome Variant Server 0.00008; ExAC 0.00009; TOPMed 0.00010; gnomAD exomes 0.00011; 1000 Genomes Project 30x 0.00031; 1000 Genomes Project 0.00040.
gnomAD v4.1: 188 of 1,613,212 alleles (0.012%); highest among the groups gnomAD compares: East Asian, 0.11%; no homozygotes.

Submissions (3):

Labcorp Genetics (formerly Invitae), Labcorp
Classification: Likely benign for Pyruvate carboxylase deficiency. Last evaluated: 2025-10-20. Review status: criteria provided, single submitter. Criteria: Invitae Variant Classification Sherloc (09022015). Collection method: clinical testing. Allele origin: germline.

Blueprint Genetics
Classification: Likely benign. Last evaluated: 2023-10-06. Review status: criteria provided, single submitter. Criteria: ACMG Guidelines, 2015. Collection method: clinical testing. Allele origin: germline.

PreventionGenetics, part of Exact Sciences
Classification: Likely benign for PC-related condition. Last evaluated: 2021-10-30. Review status: no assertion criteria provided. Collection method: clinical testing. Allele origin: germline. Not counted in ClinVar's aggregate classification.
Comment: This variant is classified as likely benign based on ACMG/AMP sequence variant interpretation guidelines (Richards et al. 2015 PMID: 25741868, with internal and published modifications).